The following is an entry in ClinVar:

NM_144563.3(RPIA):c.197A>G (p.Asn66Ser)

Genes: RPIA (ribose 5-phosphate isomerase A; plus strand), LOC129934277 (ATAC-STARR-seq lymphoblastoid silent region 11733; plus strand). Cytogenetic location: 2p11.2.
Variant type: single nucleotide variant.
Coding change: c.197A>G on transcript NM_144563.3 (MANE Select); coding-DNA position 197, A replaced by G.
Protein change: p.Asn66Ser; replaces asparagine 66 with serine.
Molecular consequence: missense variant.
Genome position (GRCh38, 1-based): chr2:88,691,895, A>G. VCF-style: chr2-88691895-A-G. GRCh37 (hg19) VCF-style: chr2-88991413-A-G.
Other names: short protein forms N66S.
Identifiers: ClinVar variation 1303034 (VCV001303034.6), dbSNP rs776100495, ClinGen allele CA1755096.
Genomic context (GRCh38, chr2:88,691,895, plus strand): 5'-GTGCACAGTCTGGGACCCGTGGCGGTGCTGGCAACACAAGCACCAGCTGCGGGGACTCCA[A>G]CAGCATCTGCCCGGCCCCCTCCACGATGTCCAAGGCCGAGGAGGCCAAGAAGCTGGCGGG-3'
Protein context (NP_653164.2, residues 56-76): GNTSTSCGDS[Asn66Ser]SICPAPSTMS

ClinVar aggregate classification (germline): Uncertain significance. Review status: criteria provided, multiple submitters, no conflicts (2 of 4 stars). 2 submissions from 2 submitters: Uncertain significance (2). Last evaluated 2023-05-23.

Allele frequency attached by ClinVar (database versions not stated): gnomAD exomes 0.00002 and 0.00005; gnomAD 0.00003 and 0.00004; ExAC 0.00004; TOPMed 0.00006.
gnomAD v4.1: 37 of 1,596,262 alleles (0.0023%); highest among the groups gnomAD compares: Admixed American, 0.019%; no homozygotes.

Submissions (2):

Labcorp Genetics (formerly Invitae), Labcorp
Classification: Uncertain significance. Last evaluated: 2023-05-23. Review status: criteria provided, single submitter. Criteria: Invitae Variant Classification Sherloc (09022015). Collection method: clinical testing. Allele origin: germline.
Comment: ClinVar contains an entry for this variant (Variation ID: 1303034). In summary, the available evidence is currently insufficient to determine the role of this variant in disease. Therefore, it has been classified as a Variant of Uncertain Significance. Algorithms developed to predict the effect of missense changes on protein structure and function output the following: SIFT: "Not Available"; PolyPhen-2: "Benign"; Align-GVGD: "Not Available". The serine amino acid residue is found in multiple mammalian species, which suggests that this missense change does not adversely affect protein function. This missense change has been observed in individual(s) with RPIA-related conditions (PMID: 30919572). This variant is present in population databases (rs776100495, gnomAD 0.02%). This sequence change replaces asparagine, which is neutral and polar, with serine, which is neutral and polar, at codon 66 of the RPIA protein (p.Asn66Ser).

GeneDx
Classification: Uncertain significance. Last evaluated: 2020-08-28. Review status: criteria provided, single submitter. Criteria: GeneDx Variant Classification Process June 2021. Collection method: clinical testing. Allele origin: germline. Affected: yes.
Comment: Has not been previously published as pathogenic or benign to our knowledge; In silico analysis supports that this missense variant does not alter protein structure/function; This variant is associated with the following publications: (PMID: 30919572)

Literature cited by the submitters: PubMed 30919572 (cited by Labcorp Genetics (formerly Invitae), Labcorp).